The following is an entry in ClinVar:

NM_021267.5(CERS1):c.519C>A (p.Arg173=)

Genes: CERS1 (ceramide synthase 1; minus strand), GDF1 (growth differentiation factor 1; minus strand). Cytogenetic location: 19p13.11.
Variant type: single nucleotide variant.
Coding change: c.519C>A on transcript NM_021267.5 (MANE Select); coding-DNA position 519, C replaced by A.
Protein change: p.Arg173=; no amino-acid change (arginine 173 retained).
Molecular consequence: synonymous variant. On other transcripts: 5 prime UTR variant (2).
Genome position (GRCh38, 1-based): chr19:18,884,158, G>T on the plus strand (C>A on the coding strand, the complement: CERS1 is on the minus strand). VCF-style: chr19-18884158-G-T. GRCh37 (hg19) VCF-style: chr19-18994967-G-T.
Other names: c.225C>A, p.Arg75= (NM_001290265.2, NM_001387442.1, NM_001387443.1 and 2 more transcripts); c.519C>A, p.Arg173= (NM_001387439.1, NM_001387440.1, NM_001387441.1 and 1 more transcripts); c.-384C>A (NM_001387438.1); c.-804C>A (NM_001492.6).
Identifiers: ClinVar variation 1147889 (VCV001147889.10), dbSNP rs575712132, ClinGen allele CA9318245.

ClinVar aggregate classification (germline): Likely benign. Review status: criteria provided, multiple submitters, no conflicts (2 of 4 stars). 2 submissions from 2 submitters: Likely benign (2). Last evaluated 2026-08-01.

Conditions:
Progressive myoclonic epilepsy type 8. Identifiers: Orphanet 424027, MedGen C5190825, MONDO:0014545, OMIM 616230.

Allele frequency attached by ClinVar (database versions not stated): ExAC 0.00007; gnomAD exomes 0.00007; TOPMed 0.00011; gnomAD 0.00013; 1000 Genomes Project 30x 0.00016; 1000 Genomes Project 0.00020.
gnomAD v4.1: 175 of 1,613,790 alleles (0.011%); highest among the groups gnomAD compares: Middle Eastern, 0.016%; no homozygotes.

Submissions (2):

CeGaT Center for Human Genetics Tuebingen
Classification: Likely benign. Last evaluated: 2026-08-01. Review status: criteria provided, single submitter. Criteria: CeGaT Center For Human Genetics Tuebingen Variant Classification Criteria Version 2. Collection method: clinical testing. Allele origin: germline. Affected: yes. Observed: 1 variant allele.
Comment: CERS1: BP4, BP7

Labcorp Genetics (formerly Invitae), Labcorp
Classification: Likely benign for Progressive myoclonic epilepsy type 8. Last evaluated: 2026-01-28. Review status: criteria provided, single submitter. Criteria: Invitae Variant Classification Sherloc (09022015). Collection method: clinical testing. Allele origin: germline.